The following is an entry in ClinVar:

ClinVar aggregate classification (germline): Conflicting classifications of pathogenicity. Review status: criteria provided, conflicting classifications (1 of 4 stars). 5 submissions from 4 submitters: Uncertain significance (4); Benign (1). Last evaluated 2025-09-10.

Conditions:
Adams-Oliver syndrome 5 (AOS5). Identifiers: Orphanet 974, MedGen C4014970, MONDO:0014459, OMIM 616028.
Familial thoracic aortic aneurysm and aortic dissection (TAAD). Also called: Thoracic aortic aneurysms and dissections. Identifiers: Orphanet 91387, MedGen C4707243, MONDO:0019625.
Aortic valve disease 1 (AOVD1). Identifiers: MedGen C3887892, MONDO:0024523, OMIM 109730.

Allele frequency attached by ClinVar (database versions not stated): TOPMed 0.00002; gnomAD 0.00003.

Submissions (5):

Labcorp Genetics (formerly Invitae), Labcorp
Classification: Benign for Adams-Oliver syndrome 5. Last evaluated: 2025-09-10. Review status: criteria provided, single submitter. Criteria: Invitae Variant Classification Sherloc (09022015). Collection method: clinical testing. Allele origin: germline.

GeneDx
Classification: Uncertain significance. Last evaluated: 2024-06-25. Review status: criteria provided, single submitter. Criteria: GeneDx Variant Classification Process June 2021. Collection method: clinical testing. Allele origin: germline. Affected: yes.
Comment: Not observed at significant frequency in large population cohorts (gnomAD); In silico analysis supports that this missense variant has a deleterious effect on protein structure/function; Has not been previously published as pathogenic or benign to our knowledge

Ambry Genetics
Classification: Uncertain significance for Familial thoracic aortic aneurysm and aortic dissection. Last evaluated: 2023-03-26. Review status: criteria provided, single submitter. Criteria: Ambry Variant Classification Scheme 2023. Collection method: clinical testing. Allele origin: germline.
Comment: The p.N421S variant (also known as c.1262A>G), located in coding exon 8 of the NOTCH1 gene, results from an A to G substitution at nucleotide position 1262. The asparagine at codon 421 is replaced by serine, an amino acid with highly similar properties. This amino acid position is well conserved in available vertebrate species. In addition, this alteration is predicted to be tolerated by in silico analysis. Since supporting evidence is limited at this time, the clinical significance of this alteration remains unclear.

Genome-Nilou Lab
Classification: Uncertain significance for Adams-Oliver syndrome 5. Last evaluated: 2022-03-15. Review status: criteria provided, single submitter. Criteria: ACMG Guidelines, 2015. Collection method: clinical testing. Allele origin: germline. Affected: no.

Genome-Nilou Lab
Classification: Uncertain significance for Aortic valve disease 1. Last evaluated: 2022-03-15. Review status: criteria provided, single submitter. Criteria: ACMG Guidelines, 2015. Collection method: clinical testing. Allele origin: germline. Affected: no.

NM_017617.5(NOTCH1):c.1262A>G (p.Asn421Ser)

Gene: NOTCH1 (notch receptor 1; minus strand). Cytogenetic location: 9q34.3.
Variant type: single nucleotide variant.
Coding change: c.1262A>G on transcript NM_017617.5 (MANE Select); coding-DNA position 1262, A replaced by G.
Protein change: p.Asn421Ser; replaces asparagine 421 with serine.
Molecular consequence: missense variant.
Genome position (GRCh38, 1-based): chr9:136,517,931, T>C on the plus strand (A>G on the coding strand, the complement: NOTCH1 is on the minus strand). VCF-style: chr9-136517931-T-C. GRCh37 (hg19) VCF-style: chr9-139412383-T-C.
Other names: c.1262A>G, p.Asn421Ser (LRG_1122t1); short protein forms N421S.
Identifiers: ClinVar variation 520064 (VCV000520064.14), dbSNP rs928512979, ClinGen allele CA201587577.
Genomic context (GRCh38, chr9:136,517,931, plus strand): 5'-AGACACTGGCACTCGAAGGAGCCCAGCGTGTTGATGCACTTGCCCGCATGCTCGCAGGGG[T>C]TGGCACCTGGCGAGGGCACACGGGTGAGAGGCTGCTCCAGGCACCCTGGCCCCTGCAACA-3'
Protein context (NP_060087.3, residues 411-431): QDVDECSLGA[Asn421Ser]PCEHAGKCIN